The following is an entry in ClinVar:

NC_000010.10:g.(?_14987084)_(14996009_?)dup

Gene: DCLRE1C (DNA cross-link repair 1C; minus strand). Cytogenetic location: 10p13.
Variant type: Duplication.
Identifiers: ClinVar variation 2423521 (VCV002423521.3).

ClinVar aggregate classification (germline): Uncertain significance (1 of 4 stars; one submission).

Conditions:
Severe combined immunodeficiency due to DCLRE1C deficiency (RS-SCID). Also called: SCID, AUTOSOMAL RECESSIVE, T CELL-NEGATIVE, B CELL-NEGATIVE, NK CELL-POSITIVE, WITH SENSITIVITY TO IONIZING RADIATION. Identifiers: Orphanet 275, MedGen C1865371, MONDO:0011225, OMIM 602450.

Submission:

Labcorp Genetics (formerly Invitae), Labcorp
Classification: Uncertain significance for Athabaskan severe combined immunodeficiency. Last evaluated: 2022-10-24. Review status: criteria provided, single submitter. Criteria: Invitae Variant Classification Sherloc (09022015). Collection method: clinical testing. Allele origin: germline.
Comment: This variant results in a copy number gain of the genomic region encompassing exon(s) 1-3 of the DCLRE1C gene. This region includes the initiator codon of the gene. This copy number gain extends beyond the assayed region for this gene and therefore may encompass additional genes. As the precise location of this event is unknown, it may be in tandem or it may be located elsewhere in the genome. This variant has not been reported in the literature in individuals affected with DCLRE1C-related conditions. Experimental studies and prediction algorithms are not available or were not evaluated, and the functional significance of this variant is currently unknown. In summary, the available evidence is currently insufficient to determine the role of this variant in disease. Therefore, it has been classified as a Variant of Uncertain Significance.